The following is an entry in ClinVar:

NM_001401501.2(MUC16):c.39153G>A (p.Val13051=)

Gene: MUC16 (mucin 16, cell surface associated; minus strand). Cytogenetic location: 19p13.2.
Variant type: single nucleotide variant.
Coding change: c.39153G>A on transcript NM_001401501.2 (MANE Select); coding-DNA position 39153, G replaced by A.
Protein change: p.Val13051=; no amino-acid change (valine 13051 retained).
Molecular consequence: synonymous variant.
Genome position (GRCh38, 1-based): chr19:8,900,018, C>T on the plus strand (G>A on the coding strand, the complement: MUC16 is on the minus strand). VCF-style: chr19-8900018-C-T. GRCh37 (hg19) VCF-style: chr19-9010694-C-T.
Other names: c.39579G>A, p.Val13193= (NM_001414686.1); c.39033G>A, p.Val13011= (NM_001414687.1); c.38967G>A, p.Val12989= (NM_024690.2).
Identifiers: ClinVar variation 3056704 (VCV003056704.2), dbSNP rs1466679093, ClinGen allele CA505286254.

ClinVar aggregate classification (germline): Likely benign (0 of 4 stars; one submission).

Conditions:
MUC16-related disorder. Also called: MUC16-related condition.

Allele frequency attached by ClinVar (database versions not stated): 1000 Genomes Project 30x 0.03342.

Submission:

PreventionGenetics, part of Exact Sciences
Classification: Likely benign for MUC16-related condition. Last evaluated: 2019-10-28. Review status: no assertion criteria provided. Collection method: clinical testing. Allele origin: germline.
Comment: This variant is classified as likely benign based on ACMG/AMP sequence variant interpretation guidelines (Richards et al. 2015 PMID: 25741868, with internal and published modifications).